The following is an entry in ClinVar:

NM_033026.6(PCLO):c.9536A>G (p.Asp3179Gly)

Gene: PCLO (piccolo presynaptic cytomatrix protein; minus strand). Cytogenetic location: 7q21.11.
Variant type: single nucleotide variant.
Coding change: c.9536A>G on transcript NM_033026.6 (MANE Select); coding-DNA position 9536, A replaced by G.
Protein change: p.Asp3179Gly; replaces aspartic acid 3179 with glycine.
Molecular consequence: missense variant.
Genome position (GRCh38, 1-based): chr7:82,951,052, T>C on the plus strand (A>G on the coding strand, the complement: PCLO is on the minus strand). VCF-style: chr7-82951052-T-C. GRCh37 (hg19) VCF-style: chr7-82580368-T-C.
Other names: c.9536A>G, p.Asp3179Gly (NM_014510.3); short protein forms D3179G.
Identifiers: ClinVar variation 1483219 (VCV001483219.6), dbSNP rs2116425032, ClinGen allele CA367908127.
Genomic context (GRCh38, chr7:82,951,052, plus strand): 5'-CTTTCATCTCCCACCACTTCAGGAAACACTTCGGATGCTGTGGTTAAAGTGGGAACAGAG[T>C]CTATCGTCTCAGCAGTAAGAGACTCCATAGTAATAGTTTGCAAACTGGCACTGATATCAA-3'
Protein context (NP_149015.2, residues 3169-3189): TMESLTAETI[Asp3179Gly]SVPTLTTASE

ClinVar aggregate classification (germline): Uncertain significance (1 of 4 stars; one submission).

Allele frequency attached by ClinVar (database versions not stated): gnomAD exomes below 0.00001.
gnomAD v4.1: 2 of 1,613,810 alleles (0.00012%); highest among the groups gnomAD compares: Non-Finnish European, 0.00017%; no homozygotes.

Submission:

Labcorp Genetics (formerly Invitae), Labcorp
Classification: Uncertain significance. Last evaluated: 2021-10-20. Review status: criteria provided, single submitter. Criteria: Invitae Variant Classification Sherloc (09022015). Collection method: clinical testing. Allele origin: germline.
Comment: In summary, the available evidence is currently insufficient to determine the role of this variant in disease. Therefore, it has been classified as a Variant of Uncertain Significance. Algorithms developed to predict the effect of missense changes on protein structure and function are either unavailable or do not agree on the potential impact of this missense change (SIFT: "Tolerated"; PolyPhen-2: "Not Available"; Align-GVGD: "Class C0"). This variant has not been reported in the literature in individuals affected with PCLO-related conditions. This variant is not present in population databases (ExAC no frequency). This sequence change replaces aspartic acid with glycine at codon 3179 of the PCLO protein (p.Asp3179Gly). The aspartic acid residue is moderately conserved and there is a moderate physicochemical difference between aspartic acid and glycine.